The following is an entry in ClinVar:

ClinVar aggregate classification (germline): Pathogenic/Likely pathogenic. Review status: criteria provided, multiple submitters, no conflicts (2 of 4 stars). 5 submissions from 5 submitters: Pathogenic (2); Likely pathogenic (3). Last evaluated 2026-04-03.

Conditions:
MCCC2-related disorder. Also called: MCCC2-related condition.
Methylcrotonyl-CoA carboxylase deficiency. Also called: 3-MCC Deficiency; 3 Methylcrotonylglycinuria; Deficiency of methylcrotonoyl-CoA carboxylase. Identifiers: Orphanet 6, MedGen C4551505, MONDO:0018950.
3-methylcrotonyl-CoA carboxylase 2 deficiency. Also called: 3 alpha methylcrotonyl-CoA carboxylase 2 deficiency; 3 alpha methylcrotonylglycinuria 2; MCC 2 deficiency; Methylcrotonylglycinuria type 2; METHYLCROTONYLGLYCINURIA, TYPE II. Identifiers: Orphanet 6, MedGen C1859499, MONDO:0008862, OMIM 210210.

Allele frequency attached by ClinVar (database versions not stated): ExAC 0.00003; gnomAD 0.00003 and 0.00004; gnomAD exomes 0.00003; TOPMed 0.00003.

Submissions (5):

PreventionGenetics, part of Exact Sciences
Classification: Likely pathogenic for MCCC2-related condition. Last evaluated: 2026-04-03. Review status: criteria provided, single submitter. Criteria: ACMG Guidelines, 2015. Collection method: clinical testing. Allele origin: germline.
Comment: The MCCC2 c.577C>T variant is predicted to result in the amino acid substitution p.Arg193Cys. This variant has been reported along with a predicted loss-of-function variant in a patient with biochemical test results and MCC enzyme activity levels consistent with 3-methylcrotonyl-CoA carboxylase deficiency (patient 005 in Baumgartner et al. 2001. PubMed ID: 11181649). It has also been reported in the homozygous state or heterozygous state with a second MCCC2 variant in infants with newborn screening and follow up biochemical tests results consistent with 3-MCC deficiency (Wang et al. 2019. PubMed ID: 31730530; Cheng et al. 2023. PubMed ID: 36822454). In expression studies, the p.Arg193Cys variant has been reported to reduce 3-MCC activity to ~4% of control (Baumgartner et al. 2001. PubMed ID: 11181649). An alternate substitution at the same amino acid (p.Arg193His) has also been reported along with a pathogenic splicing variant in a patient with newborn screening results suggestive of 3-MCC deficiency. The c.577C>T (p.Arg193Cys) variant is reported in 0.0054% of alleles in individuals of European (Non-Finnish) descent in gnomAD. Taken together, this variant is interpreted as likely pathogenic, although it should be noted that it is unclear whether patients with this variant may be clinically affected or asymptomatic.

Labcorp Genetics (formerly Invitae), Labcorp
Classification: Pathogenic for 3-methylcrotonyl-CoA carboxylase 2 deficiency. Last evaluated: 2026-01-01. Review status: criteria provided, single submitter. Criteria: Invitae Variant Classification Sherloc (09022015). Collection method: clinical testing. Allele origin: germline.
Comment: This sequence change replaces arginine, which is basic and polar, with cysteine, which is neutral and slightly polar, at codon 193 of the MCCC2 protein (p.Arg193Cys). This variant is present in population databases (rs547662164, gnomAD 0.006%). This missense change has been observed in individual(s) with 3MCC deficiency (PMID: 31730530; internal data). ClinVar contains an entry for this variant (Variation ID: 203804). Invitae Evidence Modeling of protein sequence and biophysical properties (such as structural, functional, and spatial information, amino acid conservation, physicochemical variation, residue mobility, and thermodynamic stability) indicates that this missense variant is expected to disrupt MCCC2 protein function with a positive predictive value of 80%. Experimental studies have shown that this missense change affects MCCC2 function (PMID: 11181649). This variant disrupts the p.Arg193 amino acid residue in MCCC2. Other variant(s) that disrupt this residue have been determined to be pathogenic (internal data). This suggests that this residue is clinically significant, and that variants that disrupt this residue are likely to be disease-causing. For these reasons, this variant has been classified as Pathogenic.

Natera, Inc.
Classification: Likely pathogenic for 3-methylcrotonyl-CoA carboxylase 2 deficiency. Last evaluated: 2025-11-03. Review status: criteria provided, single submitter. Criteria: Natera Variant Classification Schema (03/2026). Collection method: clinical testing. Allele origin: germline.
Comment: The c.577C>T variant in MCCC2 is a missense variant predicted to cause substitution of arginine to cysteine at amino acid 193. This variant is rare in the general population with a frequency below the threshold expected for the associated phenotype(s). This variant has been observed in one or more individuals affected with the associated recessive disease, as either homozygous or compound heterozygous with a second variant (PMID: 31730530, 11181649). Functional studies show that this variant may disrupt protein function (PMID: 11181649). Computational prediction algorithms indicate this variant is likely to affect gene or protein function. Given the available evidence, this variant is classified as Likely Pathogenic.

Women's Health and Genetics/Laboratory Corporation of America, LabCorp
Classification: Pathogenic for Methylcrotonyl-CoA carboxylase deficiency. Last evaluated: 2025-01-24. Review status: criteria provided, single submitter. Criteria: LabCorp Variant Classification Summary - May 2015. Collection method: clinical testing. Allele origin: germline.
Comment: Variant summary: MCCC2 c.577C>T (p.Arg193Cys) results in a non-conservative amino acid change located in the Acetyl-coenzyme A carboxyltransferase, N-terminal domain (IPR011762) of the encoded protein sequence. Five of five in-silico tools predict a damaging effect of the variant on protein function. The variant allele was found at a frequency of 7.8e-05 in 1,606,882 control chromosomes in the gnomAD database (v4.1 dataset). This frequency is not significantly higher than the maximum estimated for a pathogenic variant in MCCC2 causing Methylcrotonyl-CoA Carboxylase Deficiency (0.0042), allowing no conclusion about variant significance. The variant, c.577C>T, has been reported in the literature in multiple homozygous- and compound heterozygous individuals affected with Methylcrotonyl-CoA Carboxylase Deficiency (e.g. Baumgartner_2001, Grunert_2012, Wang_2019, Cheng_2023, and in an internal patient (LabCorp Genetics (formerly Invitae)). These data indicate that the variant is likely to be associated with disease. At least one publication reported experimental evidence evaluating an impact on protein function, and demonstrated that the variant effect resulted in <10% of normal activity (Baumgartner_2001). The following publications have been ascertained in the context of this evaluation (PMID: 22642865, 31730530, 11181649, 36822454). ClinVar contains an entry for this variant (Variation ID: 203804). Based on the evidence outlined above, the variant was classified as pathogenic.

Juno Genomics, Hangzhou Juno Genomics, Inc
Classification: Likely pathogenic for 3-methylcrotonyl-CoA carboxylase 2 deficiency. Review status: criteria provided, single submitter. Criteria: ACMG Guidelines, 2015. Collection method: clinical testing. Allele origin: germline.
Comment: Absent from controls (or at extremely low frequency if recessive) in Genome Aggregation Database.;Well-established in vitro or in vivo functional studies supportive of a damaging effect on the gene or gene product.;For recessive disorders, detected in trans with a pathogenic variant.;Patient's phenotype or family history is highly specific for a disease with a single genetic etiology.

Literature cited by the submitters: PubMed 31730530 (cited by 3 submitters); PubMed 11181649 (cited by 3 submitters); PubMed 22642865 (cited by Women's Health and Genetics/Laboratory Corporation of America, LabCorp); PubMed 36822454 (cited by Women's Health and Genetics/Laboratory Corporation of America, LabCorp).

NM_022132.5(MCCC2):c.577C>T (p.Arg193Cys)

Gene: MCCC2 (methylcrotonyl-CoA carboxylase subunit 2; plus strand). Cytogenetic location: 5q13.2.
Variant type: single nucleotide variant.
Coding change: c.577C>T on transcript NM_022132.5 (MANE Select); coding-DNA position 577, C replaced by T.
Protein change: p.Arg193Cys; replaces arginine 193 with cysteine.
Molecular consequence: missense variant.
Genome position (GRCh38, 1-based): chr5:71,604,421, C>T. VCF-style: chr5-71604421-C-T. GRCh37 (hg19) VCF-style: chr5-70900248-C-T.
Other names: c.577C>T, p.Arg193Cys (NM_001363147.1); short protein forms R193C.
Identifiers: ClinVar variation 203804 (VCV000203804.16), dbSNP rs547662164, ClinGen allele CA312687.
Genomic context (GRCh38, chr5:71,604,421, plus strand): 5'-TCGGGAGGAGCATACTTACCTCGACAAGCAGATGTGTTTCCAGATCGAGACCACTTTGGC[C>T]GTACATTCTATAATCAGGCAATTATGTCTTCTAAAAATATTGCACAGGTAATTTTTCATG-3'
Protein context (NP_071415.1, residues 183-203): DVFPDRDHFG[Arg193Cys]TFYNQAIMSS